The following is an entry in ClinVar:

NM_001032283.3(TMPO):c.565+1474CT[2]

Gene: TMPO (thymopoietin; plus strand). Cytogenetic location: 12q23.1.
Variant type: Microsatellite.
Coding change: c.565+1474CT[2] on transcript NM_001032283.3 (MANE Select); two copies in a row of the 2-base unit CT starting at c.565+1474.
Molecular consequence: intron variant. On other transcripts: frameshift variant (1).
Genome position: GRCh38 VCF-style: chr12-98533311-CCT-C. GRCh37 (hg19) VCF-style: chr12-98927089-CCT-C.
Other names: c.1060_1061del, p.Ser354fs (NM_003276.2); c.565+1474CT[2] (NM_001307975.2, NM_001032284.3); short protein forms S354fs.
Identifiers: ClinVar variation 1034606 (VCV001034606.7), dbSNP rs1359210478, ClinGen allele CA607144843.

ClinVar aggregate classification (germline): Uncertain significance (1 of 4 stars; one submission).

Conditions:
Loeys-Dietz syndrome 2 (LDS2). Also called: AORTIC ANEURYSM, FAMILIAL THORACIC 3; MARFAN SYNDROME, TYPE II; Marfan syndrome, type 2 (formerly); Marfan Syndrome type 2; Marfan like connective tissue disorder; MFS 2. Identifiers: Orphanet 284973, Orphanet 558, MedGen C2674574, MONDO:0012427, OMIM 610168.

Submission:

Labcorp Genetics (formerly Invitae), Labcorp
Classification: Uncertain significance for Loeys-Dietz syndrome 2. Last evaluated: 2022-03-23. Review status: criteria provided, single submitter. Criteria: Invitae Variant Classification Sherloc (09022015). Collection method: clinical testing. Allele origin: germline.
Comment: Experimental studies and prediction algorithms are not available or were not evaluated, and the functional significance of this variant is currently unknown. This sequence change creates a premature translational stop signal (p.Ser354Glnfs*2) in the TMPO gene. While this is not anticipated to result in nonsense mediated decay, it is expected to disrupt the last 341 amino acid(s) of the TMPO protein. This variant is present in population databases (no rsID available, gnomAD 0.0009%). This variant has not been reported in the literature in individuals affected with TMPO-related conditions. ClinVar contains an entry for this variant (Variation ID: 1034606). In summary, the available evidence is currently insufficient to determine the role of this variant in disease. Therefore, it has been classified as a Variant of Uncertain Significance.